The following is an entry in ClinVar:

NM_020366.4(RPGRIP1):c.574A>G (p.Lys192Glu)

Gene: RPGRIP1 (RPGR interacting protein 1; plus strand). Cytogenetic location: 14q11.2.
Variant type: single nucleotide variant.
Coding change: c.574A>G on transcript NM_020366.4 (MANE Select); coding-DNA position 574, A replaced by G.
Protein change: p.Lys192Glu; replaces lysine 192 with glutamic acid.
Molecular consequence: missense variant.
Genome position (GRCh38, 1-based): chr14:21,302,571, A>G. VCF-style: chr14-21302571-A-G. GRCh37 (hg19) VCF-style: chr14-21770730-A-G.
Other names: short protein forms K192E.
Identifiers: ClinVar variation 99827 (VCV000099827.26), dbSNP rs6571751, ClinGen allele CA227931.

ClinVar aggregate classification (germline): Benign. Review status: criteria provided, multiple submitters, no conflicts (2 of 4 stars). 13 submissions from 11 submitters: Benign (9). 4 of the submissions do not count toward it. Last evaluated 2026-02-04.

Conditions:
Cone-rod dystrophy 13 (CORD13). Identifiers: Orphanet 1872, MedGen C2750720, MONDO:0011987, OMIM 608194.
Leber congenital amaurosis 6 (LCA6). Identifiers: Orphanet 65, MedGen C1854260, MONDO:0013446, OMIM 613826.

Allele frequency attached by ClinVar (database versions not stated): 1000 Genomes Project 30x 0.47705; 1000 Genomes Project 0.47724; TOPMed 0.47822; ESP Exome Variant Server 0.48248; gnomAD 0.48811 and 0.48969; gnomAD exomes 0.50068 and 0.50316; ExAC 0.54801.
gnomAD v4.1: 779,414 of 1,561,794 alleles (50%); highest among the groups gnomAD compares: South Asian, 59%; 196,657 homozygotes.

Submissions (13):

Labcorp Genetics (formerly Invitae), Labcorp
Classification: Benign for Leber congenital amaurosis 6; Cone-rod dystrophy 13. Last evaluated: 2026-02-04. Review status: criteria provided, single submitter. Criteria: Invitae Variant Classification Sherloc (09022015). Collection method: clinical testing. Allele origin: germline.

Blueprint Genetics
Classification: Benign. Last evaluated: 2024-11-28. Review status: criteria provided, single submitter. Criteria: ACMG Guidelines, 2015. Collection method: clinical testing. Allele origin: germline.

Genome-Nilou Lab
Classification: Benign for Leber congenital amaurosis 6. Last evaluated: 2021-11-07. Review status: criteria provided, single submitter. Criteria: ACMG Guidelines, 2015. Collection method: clinical testing. Allele origin: germline. Affected: no.

Genome-Nilou Lab
Classification: Benign for Cone-rod dystrophy 13. Last evaluated: 2021-11-07. Review status: criteria provided, single submitter. Criteria: ACMG Guidelines, 2015. Collection method: clinical testing. Allele origin: germline. Affected: no.

Illumina Laboratory Services, Illumina
Classification: Benign for Cone-rod dystrophy 13. Last evaluated: 2018-01-12. Review status: criteria provided, single submitter. Criteria: ICSL Variant Classification Criteria 13 December 2019. Collection method: clinical testing. Allele origin: germline.
Comment: This variant was observed in the ICSL laboratory as part of a predisposition screen in an ostensibly healthy population. It had not been previously curated by ICSL or reported in the Human Gene Mutation Database (HGMD: prior to June 1st, 2018), and was therefore a candidate for classification through an automated scoring system. Utilizing variant allele frequency, disease prevalence and penetrance estimates, and inheritance mode, an automated score was calculated to assess if this variant is too frequent to cause the disease. Based on the score and internal cut-off values, a variant classified as benign is not then subjected to further curation. The score for this variant resulted in a classification of benign for this disease.

Illumina Laboratory Services, Illumina
Classification: Benign for Leber congenital amaurosis 6. Last evaluated: 2018-01-12. Review status: criteria provided, single submitter. Criteria: ICSL Variant Classification Criteria 13 December 2019. Collection method: clinical testing. Allele origin: germline.
Comment: the same text as in the submission from Illumina Laboratory Services, Illumina above.

GeneDx
Classification: Benign. Last evaluated: 2015-03-03. Review status: criteria provided, single submitter. Criteria: GeneDx Variant Classification Process June 2021. Collection method: clinical testing. Allele origin: germline. Affected: yes.

Breakthrough Genomics
Classification: Benign. Review status: criteria provided, single submitter. Criteria: ACMG Guidelines, 2015. Collection method: not provided. Allele origin: germline. Inheritance: Autosomal recessive inheritance. Affected: yes.

PreventionGenetics, part of Exact Sciences
Classification: Benign. Review status: criteria provided, single submitter. Criteria: ACMG Guidelines, 2015. Collection method: clinical testing. Allele origin: germline.

Clinical Genetics DNA and cytogenetics Diagnostics Lab, Erasmus MC, Erasmus Medical Center
Classification: Benign. Review status: no assertion criteria provided. Collection method: clinical testing. Allele origin: germline. Affected: yes. Study: VKGL Data-share Consensus. Not counted in ClinVar's aggregate classification.

Diagnostic Laboratory, Department of Genetics, University Medical Center Groningen
Classification: Benign. Review status: no assertion criteria provided. Collection method: clinical testing. Allele origin: germline. Affected: yes. Study: VKGL Data-share Consensus. Not counted in ClinVar's aggregate classification.

Joint Genome Diagnostic Labs from Nijmegen and Maastricht, Radboudumc and MUMC+
Classification: Benign. Review status: no assertion criteria provided. Collection method: clinical testing. Allele origin: germline. Affected: yes. Study: VKGL Data-share Consensus. Not counted in ClinVar's aggregate classification.

Retina International
No classification provided. Review status: no classification provided. Collection method: not provided. Allele origin: not provided. Not counted in ClinVar's aggregate classification.